The following is an entry in ClinVar:

NM_000170.3(GLDC):c.2606_2607delinsTA (p.Pro869Leu)

Gene: GLDC (glycine decarboxylase; minus strand). Cytogenetic location: 9p24.1.
Variant type: Indel.
Coding change: c.2606_2607delinsTA on transcript NM_000170.3 (MANE Select); coding-DNA positions 2606 to 2607, CC replaced by TA.
Protein change: p.Pro869Leu; replaces proline 869 with leucine.
Molecular consequence: missense variant.
Genome position (GRCh38, 1-based): chr9:6,540,109-6,540,110, GG replaced by TA on the plus strand (CC replaced by TA on the coding strand, the reverse complement: GLDC is on the minus strand). VCF-style: chr9-6540109-GG-TA. GRCh37 (hg19) VCF-style: chr9-6540109-GG-TA.
Other names: c.2606_2607delCCinsTA, p.Pro869Leu (NM_000170.2); short protein forms P869L.
Identifiers: ClinVar variation 2501049 (VCV002501049.1), dbSNP rs2489015937, ClinGen allele CA2580616151.

ClinVar aggregate classification (germline): Uncertain significance (1 of 4 stars; one submission).

Submission:

Women's Health and Genetics/Laboratory Corporation of America, LabCorp
Classification: Uncertain significance. Last evaluated: 2023-03-19. Review status: criteria provided, single submitter. Criteria: LabCorp Variant Classification Summary - May 2015. Collection method: clinical testing. Allele origin: germline.
Comment: Variant summary: GLDC c.2606_2607delinsTA (p.Pro869Leu) results in a non-conservative amino acid change in the encoded protein sequence. Three of five in-silico tools predict a damaging effect of the variant on protein function. The variant was absent in 251436 control chromosomes (gnomAD). The available data on variant occurrences in the general population are insufficient to allow any conclusion about variant significance. To our knowledge, no occurrence of c.2606_2607delinsTA in individuals affected with Glycine Encephalopathy (Non-Ketotic Hyperglycinemia) and no experimental evidence demonstrating its impact on protein function have been reported. No clinical diagnostic laboratories have submitted clinical-significance assessments for this variant to ClinVar after 2014. Based on the evidence outlined above, the variant was classified as uncertain significance.